The following is an entry in ClinVar:

ClinVar aggregate classification (germline): Uncertain significance. Review status: criteria provided, multiple submitters, no conflicts (2 of 4 stars). 4 submissions from 4 submitters: Uncertain significance (4). Last evaluated 2026-06-18.

Conditions:
Macrothrombocytopenia and granulocyte inclusions with or without nephritis or sensorineural hearing loss (MATINS). Also called: MAY-HEGGLIN ANOMALY; DOHLE LEUKOCYTE INCLUSIONS WITH GIANT PLATELETS; MACROTHROMBOCYTOPENIA WITH LEUKOCYTE INCLUSIONS; BLEEDING DISORDER, PLATELET-TYPE, 6; SEBASTIAN PLATELET SYNDROME; MACROTHROMBOCYTOPENIA WITH DISPERSED LEUKOCYTIC INCLUSIONS. Identifiers: Orphanet 182050, MedGen C5200934, MONDO:0015912, OMIM 155100.
Autosomal dominant nonsyndromic hearing loss 17. Also called: Deafness, autosomal dominant 17; Autosomal dominant nonsyndromic deafness 17. Identifiers: Orphanet 90635, MedGen C1863659, MONDO:0011350, OMIM 603622.

Allele frequency attached by ClinVar (database versions not stated): gnomAD exomes 0.00001; ExAC 0.00001; TOPMed 0.00001; gnomAD 0.00001.
gnomAD v4.1: 13 of 1,614,030 alleles (0.00081%); highest among the groups gnomAD compares: Non-Finnish European, 0.0011%; no homozygotes.

Submissions (4):

Women's Health and Genetics/Laboratory Corporation of America, LabCorp
Classification: Uncertain significance. Last evaluated: 2026-06-18. Review status: criteria provided, single submitter. Criteria: LabCorp Variant Classification Summary - May 2015. Collection method: clinical testing. Allele origin: germline.
Comment: Variant summary: MYH9 c.1991C>T (p.Thr664Met) results in a non-conservative amino acid change in the encoded protein sequence. Algorithms developed to predict the effect of missense changes on protein structure and function all suggest that this variant is likely to be disruptive. The frequency data for this variant in gnomAD is considered unreliable, as metrics indicate poor data quality at this position. To our knowledge, no occurrence of c.1991C>T in individuals affected with MYH9-related conditions and no experimental evidence demonstrating its impact on protein function have been reported. ClinVar contains an entry for this variant (Variation ID: 2968261). Based on the evidence outlined above, the variant was classified as uncertain significance.

Labcorp Genetics (formerly Invitae), Labcorp
Classification: Uncertain significance. Last evaluated: 2025-11-08. Review status: criteria provided, single submitter. Criteria: Invitae Variant Classification Sherloc (09022015). Collection method: clinical testing. Allele origin: germline.
Comment: This sequence change replaces threonine, which is neutral and polar, with methionine, which is neutral and non-polar, at codon 664 of the MYH9 protein (p.Thr664Met). The frequency data for this variant in the population databases is considered unreliable, as metrics indicate poor data quality at this position in the gnomAD database. This variant has not been reported in the literature in individuals affected with MYH9-related conditions. ClinVar contains an entry for this variant (Variation ID: 2968261). Invitae Evidence Modeling of protein sequence and biophysical properties (such as structural, functional, and spatial information, amino acid conservation, physicochemical variation, residue mobility, and thermodynamic stability) indicates that this missense variant is expected to disrupt MYH9 protein function with a positive predictive value of 80%. In summary, the available evidence is currently insufficient to determine the role of this variant in disease. Therefore, it has been classified as a Variant of Uncertain Significance.

GeneDx
Classification: Uncertain significance. Last evaluated: 2024-10-02. Review status: criteria provided, single submitter. Criteria: GeneDx Variant Classification Process June 2021. Collection method: clinical testing. Allele origin: germline. Affected: yes.
Comment: Not observed at significant frequency in large population cohorts (gnomAD); In silico analysis supports that this missense variant has a deleterious effect on protein structure/function; Has not been previously published as pathogenic or benign to our knowledge

Fulgent Genetics
Classification: Uncertain significance for Macrothrombocytopenia and granulocyte inclusions with or without nephritis or sensorineural hearing loss; Autosomal dominant nonsyndromic hearing loss 17. Last evaluated: 2024-05-03. Review status: criteria provided, single submitter. Criteria: ACMG Guidelines, 2015. Collection method: clinical testing. Allele origin: germline.

NM_002473.6(MYH9):c.1991C>T (p.Thr664Met)

Gene: MYH9 (myosin heavy chain 9; minus strand). Cytogenetic location: 22q12.3.
Variant type: single nucleotide variant.
Coding change: c.1991C>T on transcript NM_002473.6 (MANE Select); coding-DNA position 1991, C replaced by T.
Protein change: p.Thr664Met; replaces threonine 664 with methionine.
Molecular consequence: missense variant.
Genome position (GRCh38, 1-based): chr22:36,306,460, G>A on the plus strand (C>T on the coding strand, the complement: MYH9 is on the minus strand). VCF-style: chr22-36306460-G-A. GRCh37 (hg19) VCF-style: chr22-36702506-G-A.
Other names: c.1991C>T (NM_002473.4); short protein forms T664M.
Identifiers: ClinVar variation 2968261 (VCV002968261.6), dbSNP rs760820049, ClinGen allele CA10210132.
Genomic context (GRCh38, chr22:36,306,460, plus strand): 5'-CCAGGCAGCCGCACCTTCTTCTCGTGGTTGGGGATGATGCAGCGGACAAAGTTGGGGTTC[G>A]TGTTCCTCAGCGTAGCCATCAGCTTGGCCAGCTGCTCCTTGTAAAGCTGCCCCACAGTGC-3'
Protein context (NP_002464.1, residues 654-674): LAKLMATLRN[Thr664Met]NPNFVRCIIP